The following is an entry in ClinVar:

ClinVar aggregate classification (germline): Pathogenic. Review status: reviewed by expert panel (3 of 4 stars). 9 submissions from 9 submitters: Pathogenic (1). 8 of the submissions do not count toward it. Last evaluated 2017-03-17.

Conditions:
Cystic fibrosis (CF). Also called: MUCOVISCIDOSIS. Identifiers: Orphanet 586, MedGen C0010674, MONDO:0009061, OMIM 219700. Disease mechanism: loss of function.
CFTR-related disorder (CFTR-RD). Also called: CFTR-related condition; CFTR-related disorders. Identifiers: MedGen C5924204, MONDO:7770004.
Bronchiectasis with or without elevated sweat chloride 1 (BESC1). Also called: Cystic Fibrosis-Like Syndrome. Identifiers: Orphanet 60033, MedGen C2749757, MONDO:0008887, OMIM 211400.

Submissions (9):

CFTR2
Classification: Pathogenic for Cystic fibrosis. Last evaluated: 2017-03-17. Review status: reviewed by expert panel. Criteria: Sosnay PR et al. (Nat Genet 2013). Collection method: research. Allele origin: germline. Affected: yes. Study: CFTR2.

Natera, Inc.
Classification: Pathogenic for CFTR-related disorders. Last evaluated: 2025-06-04. Review status: criteria provided, single submitter. Criteria: Natera Variant Classification Schema (03/2026). Collection method: clinical testing. Allele origin: germline. Not counted in ClinVar's aggregate classification.
Comment: The c.4300_4301dupAG variant in CFTR is a frameshift variant predicted to shift the reading frame beginning at codon 1435 and leads to a stop codon 14 codons downstream. This variant is expected to result in nonsense mediated decay, truncation, or a dysfunctional protein product. This variant is rare in the general population with a frequency below the threshold expected for the associated phenotype(s). This variant has been observed in one or more individuals affected with the associated recessive disease, as either homozygous or compound heterozygous with a second variant (PMID: 30548586). Given the available evidence, this variant is classified as Pathogenic.

Victorian Clinical Genetics Services, Murdoch Childrens Research Institute
Classification: Pathogenic for Cystic fibrosis. Last evaluated: 2025-03-27. Review status: criteria provided, single submitter. Criteria: ACMG Guidelines, 2015. Collection method: clinical testing. Allele origin: germline. Affected: no. Not counted in ClinVar's aggregate classification.
Comment: This variant is classified as Pathogenic. Evidence in support of pathogenic classification: Variant is predicted to result in a truncated protein (premature termination codon is NOT located at least 54 nucleotides upstream of the final exon-exon junction) with less than 1/3 of the protein sequence affected; Variant is present in gnomAD <0.01 for a recessive condition (v4: 8 heterozygote(s), 0 homozygote(s)); This variant has strong previous evidence of pathogenicity in unrelated individuals. This variant has been classified as pathogenic for cystic fibrosis by the CFTR2 expert panel (ClinVar). Additional information: This variant is heterozygous; This gene is associated with autosomal recessive disease; Loss of function is a known mechanism of disease in this gene and is associated with cystic fibrosis (MIM#219700).

Labcorp Genetics (formerly Invitae), Labcorp
Classification: Pathogenic for Cystic fibrosis. Last evaluated: 2024-02-06. Review status: criteria provided, single submitter. Criteria: Invitae Variant Classification Sherloc (09022015). Collection method: clinical testing. Allele origin: germline. Not counted in ClinVar's aggregate classification.
Comment: This sequence change creates a premature translational stop signal (p.Ser1435Glyfs*14) in the CFTR gene. While this is not anticipated to result in nonsense mediated decay, it is expected to disrupt the last 46 amino acid(s) of the CFTR protein. This variant is present in population databases (rs397508709, gnomAD 0.0009%). This premature translational stop signal has been observed in individual(s) with CFTR-related conditions (PMID: 11101688, 30548586). This variant is also known as 4428insGA and 4296_4297insGA. ClinVar contains an entry for this variant (Variation ID: 370324). Algorithms developed to predict the effect of variants on protein structure and function are not available or were not evaluated for this variant. Experimental studies have shown that this premature translational stop signal affects CFTR function (PMID: 30444886). For these reasons, this variant has been classified as Pathogenic.

Baylor Genetics
Classification: Pathogenic for Bronchiectasis with or without elevated sweat chloride 1. Last evaluated: 2022-12-30. Review status: criteria provided, single submitter. Criteria: ACMG Guidelines, 2015. Collection method: clinical testing. Allele origin: unknown. Not counted in ClinVar's aggregate classification.

Institute of Human Genetics, University of Leipzig Medical Center
Classification: Likely pathogenic for Cystic fibrosis. Last evaluated: 2022-09-05. Review status: criteria provided, single submitter. Criteria: ACMG Guidelines, 2015. Collection method: curation. Allele origin: unknown. Affected: yes. Observed: 2 variant alleles. Not counted in ClinVar's aggregate classification.
Comment: This variant was identified in 2 unrelated patients with a clinically confirmed diagnosis of cystic fibrosis. The variant was classified in the context of a project re-classifying variants in the German Cystic Fibrosis Registry (Muko.e.V.). Criteria applied: PVS1_MOD, PS3_SUP, PM2_SUP, PM3_STR, PP4

Mendelics
Classification: Pathogenic for Cystic fibrosis. Last evaluated: 2018-11-05. Review status: criteria provided, single submitter. Criteria: Mendelics Assertion Criteria 2017. Collection method: clinical testing. Allele origin: unknown. Affected: yes. Not counted in ClinVar's aggregate classification.

CFTR-France
Classification: Pathogenic for cystic fibrosis; CFTR-related disorders. Last evaluated: 2018-01-29. Review status: criteria provided, single submitter. Criteria: Claustres M et al. (Hum Mutat 2017). Collection method: curation. Allele origin: germline. Affected: yes. Not counted in ClinVar's aggregate classification.
Comment: when the variant is in trans with another CF-causing variation, can either result in CF or in a CFTR-RD

Counsyl
Classification: Likely pathogenic for Cystic fibrosis. Last evaluated: 2016-01-14. Review status: no assertion criteria provided. Collection method: clinical testing. Allele origin: unknown. Not counted in ClinVar's aggregate classification.

Literature cited by the submitters: PubMed 30548586 (cited by Natera, Inc. and Labcorp Genetics (formerly Invitae), Labcorp); PubMed 11101688 (cited by Labcorp Genetics (formerly Invitae), Labcorp); PubMed 30444886 (cited by Labcorp Genetics (formerly Invitae), Labcorp); PubMed 23082198 (cited by Counsyl).

NM_000492.4(CFTR):c.4300_4301dup (p.Ser1435fs)

Genes: CFTR (CF transmembrane conductance regulator; plus strand), LOC111674477 (CFTR intron 23 enhancer; plus strand). Cytogenetic location: 7q31.2.
Variant type: Microsatellite.
Coding change: c.4300_4301dup on transcript NM_000492.4 (MANE Select); coding-DNA positions 4300 to 4301, 2 bases duplicated (AG; older notation c.4300_4301dupAG).
Protein change: p.Ser1435fs; shifts the reading frame from serine 1435.
Molecular consequence: frameshift variant.
Genome position (GRCh38, 1-based): chr7:117,666,965-117,666,966, AG duplicated; duplicating any 2 consecutive bases within chr7:117,666,962-117,666,966 gives the same sequence; the c. name uses the placement nearest the transcript's 3' end. VCF-style (leftmost placement, unchanged base first): chr7-117666961-C-CGA. GRCh37 (hg19) VCF-style: chr7-117307015-C-CGA.
Other names: 4428insGA; c.4300_4301dupAG (NM_000492.3); c.4300_4301dup (NM_000492.3); short protein forms S1435fs.
Identifiers: ClinVar variation 370324 (VCV000370324.19), dbSNP rs397508709, ClinGen allele CA327475.